The following is an entry in ClinVar:

ClinVar aggregate classification (germline): Uncertain significance. Review status: criteria provided, multiple submitters, no conflicts (2 of 4 stars). 2 submissions from 2 submitters: Uncertain significance (2). Last evaluated 2022-09-27.

Submissions (2):

Labcorp Genetics (formerly Invitae), Labcorp
Classification: Uncertain significance. Last evaluated: 2022-09-27. Review status: criteria provided, single submitter. Criteria: Invitae Variant Classification Sherloc (09022015). Collection method: clinical testing. Allele origin: germline.
Comment: This sequence change replaces phenylalanine, which is neutral and non-polar, with cysteine, which is neutral and slightly polar, at codon 1199 of the COL18A1 protein (p.Phe1199Cys). This variant is not present in population databases (gnomAD no frequency). This variant has not been reported in the literature in individuals affected with COL18A1-related conditions. ClinVar contains an entry for this variant (Variation ID: 452119). Experimental studies and prediction algorithms are not available or were not evaluated, and the functional significance of this variant is currently unknown. In summary, the available evidence is currently insufficient to determine the role of this variant in disease. Therefore, it has been classified as a Variant of Uncertain Significance.

GeneDx
Classification: Uncertain significance. Last evaluated: 2017-09-18. Review status: criteria provided, single submitter. Criteria: GeneDx Variant Classification (06012015). Collection method: clinical testing. Allele origin: germline. Affected: yes.
Comment: The F1199C variant in the COL18A1 gene has not been reported previously as a pathogenic variant, nor as a benign variant, to our knowledge. The F1199C variant is not observed in large population cohorts (Lek et al., 2016; 1000 Genomes Consortium et al., 2015; Exome Variant Server). The F1199C variant is a non-conservative amino acid substitution, which is likely to impact secondary protein structure as these residues differ in polarity, charge, size and/or other properties. This substitution occurs at a position that is conserved across species. In silico analysis predicts this variant is probably damaging to the protein structure/function. We interpret F1199C as a variant of uncertain significance.

NM_001379500.1(COL18A1):c.3605T>G (p.Phe1202Cys)

Genes: COL18A1 (collagen type XVIII alpha 1 chain; plus strand), SLC19A1 (solute carrier family 19 member 1; minus strand). Cytogenetic location: 21q22.3.
Variant type: single nucleotide variant.
Coding change: c.3605T>G on transcript NM_001379500.1 (MANE Select); coding-DNA position 3605, T replaced by G.
Protein change: p.Phe1202Cys; replaces phenylalanine 1202 with cysteine.
Molecular consequence: missense variant.
Genome position (GRCh38, 1-based): chr21:45,510,173, T>G. VCF-style: chr21-45510173-T-G. GRCh37 (hg19) VCF-style: chr21-46930087-T-G.
Other names: NM_130445.2:c.3596T>G; c.4136T>G, p.Phe1379Cys (NM_030582.4); c.4841T>G, p.Phe1614Cys (NM_130444.3); short protein forms F1379C, F1614C, F1202C.
Identifiers: ClinVar variation 452119 (VCV000452119.5), dbSNP rs1555876435, ClinGen allele CA410501663.
Genomic context (GRCh38, chr21:45,510,173, plus strand): 5'-TCCGCGGGGCCGACTTCCAGTGCTTCCAGCAGGCGCGGGCCGTGGGGCTGGCGGGCACCT[T>G]CCGCGCCTTCCTGTCCTCGCGCCTGCAGGACCTGTACAGCATCGTGCGCCGTGCCGACCG-3'
Protein context (NP_001366429.1, residues 1192-1212): QARAVGLAGT[Phe1202Cys]RAFLSSRLQD